The following is an entry in ClinVar:

NM_025114.4(CEP290):c.5790A>C (p.Lys1930Asn)

Gene: CEP290 (centrosomal protein 290; minus strand). Cytogenetic location: 12q21.32.
Variant type: single nucleotide variant.
Coding change: c.5790A>C on transcript NM_025114.4 (MANE Select); coding-DNA position 5790, A replaced by C.
Protein change: p.Lys1930Asn; replaces lysine 1930 with asparagine.
Molecular consequence: missense variant.
Genome position (GRCh38, 1-based): chr12:88,071,846, T>G on the plus strand (A>C on the coding strand, the complement: CEP290 is on the minus strand). VCF-style: chr12-88071846-T-G. GRCh37 (hg19) VCF-style: chr12-88465623-T-G.
Other names: short protein forms K1930N.
Identifiers: ClinVar variation 2143371 (VCV002143371.4), dbSNP rs2499742665, ClinGen allele CA385984776.
Genomic context (GRCh38, chr12:88,071,846, plus strand): 5'-AAAAAGATCCTTCAAAGTATTCAACTGCTTTGTTAAAGTAAAGACTTCCCCCTCTTTCTC[T>G]TTTAACTTGTTTCGAATTCCTTCTATTTTGGCTTGCCACTTTTTACCTTCTTCCCACCTA-3'
Protein context (NP_079390.3, residues 1920-1940): AKIEGIRNKL[Lys1930Asn]EKEGEVFTLT

ClinVar aggregate classification (germline): Uncertain significance (1 of 4 stars; one submission).

Conditions:
Joubert syndrome. Also called: CEREBELLOPARENCHYMAL DISORDER IV; JOUBERT-BOLTSHAUSER SYNDROME; Familial aplasia of the vermis. Identifiers: Orphanet 475, MedGen C5979921, MONDO:0018772.
Nephronophthisis. Also called: Juvenile Nephronophthisis. Identifiers: Orphanet 655, MedGen C0687120, MONDO:0019005, HP:0000090.
Meckel-Gruber syndrome. Also called: DYSENCEPHALIA SPLANCHNOCYSTICA; GRUBER SYNDROME; Dysencephalia splachnocystica. Identifiers: Orphanet 564, MedGen C0265215, MONDO:0018921.

Allele frequency attached by ClinVar (database versions not stated): gnomAD exomes below 0.00001.
gnomAD v4.1: 1 of 1,605,508 alleles (0.000062%); highest among the groups gnomAD compares: Admixed American, 0.0017%; no homozygotes.

Submission:

Labcorp Genetics (formerly Invitae), Labcorp
Classification: Uncertain significance for Joubert syndrome; Meckel-Gruber syndrome; Nephronophthisis. Last evaluated: 2022-05-16. Review status: criteria provided, single submitter. Criteria: Invitae Variant Classification Sherloc (09022015). Collection method: clinical testing. Allele origin: germline.
Comment: In summary, the available evidence is currently insufficient to determine the role of this variant in disease. Therefore, it has been classified as a Variant of Uncertain Significance. Algorithms developed to predict the effect of missense changes on protein structure and function are either unavailable or do not agree on the potential impact of this missense change (SIFT: "Deleterious"; PolyPhen-2: "Probably Damaging"; Align-GVGD: "Class C0"). This variant has not been reported in the literature in individuals affected with CEP290-related conditions. This variant is not present in population databases (gnomAD no frequency). This sequence change replaces lysine, which is basic and polar, with asparagine, which is neutral and polar, at codon 1930 of the CEP290 protein (p.Lys1930Asn).